The following is an entry in ClinVar:

NM_022841.7(RFX7):c.1147A>G (p.Met383Val)

Gene: RFX7 (regulatory factor X7; minus strand). Cytogenetic location: 15q21.3.
Variant type: single nucleotide variant.
Coding change: c.1147A>G on transcript NM_022841.7 (MANE Select); coding-DNA position 1147, A replaced by G.
Protein change: p.Met383Val; replaces methionine 383 with valine.
Molecular consequence: missense variant.
Genome position (GRCh38, 1-based): chr15:56,096,581, T>C on the plus strand (A>G on the coding strand, the complement: RFX7 is on the minus strand). VCF-style: chr15-56096581-T-C. GRCh37 (hg19) VCF-style: chr15-56388779-T-C.
Other names: c.856A>G, p.Met286Val (NM_001368073.2, NM_001368074.1, NM_001370554.1); c.1147A>G, p.Met383Val (NM_001370561.1); short protein forms M286V, M383V.
Identifiers: ClinVar variation 2591807 (VCV002591807.6), dbSNP rs375503209, ClinGen allele CA7578345.

ClinVar aggregate classification (germline): Likely benign. Review status: criteria provided, multiple submitters, no conflicts (2 of 4 stars). 2 submissions from 2 submitters: Likely benign (2). Last evaluated 2026-07-01.

Conditions:
Inborn genetic diseases. Identifiers: MedGen C0950123, MeSH D030342.

Allele frequency attached by ClinVar (database versions not stated): TOPMed 0.00011; gnomAD 0.00013; 1000 Genomes Project 30x 0.00016; 1000 Genomes Project 0.00020; ESP Exome Variant Server 0.00025; ExAC 0.00044.
gnomAD v4.1: 268 of 1,594,608 alleles (0.017%); highest among the groups gnomAD compares: South Asian, 0.15%; 3 homozygotes.

Submissions (2):

CeGaT Center for Human Genetics Tuebingen
Classification: Likely benign. Last evaluated: 2026-07-01. Review status: criteria provided, single submitter. Criteria: CeGaT Center For Human Genetics Tuebingen Variant Classification Criteria Version 2. Collection method: clinical testing. Allele origin: germline. Affected: yes. Observed: 2 variant alleles.
Comment: RFX7: BP4

Ambry Genetics
Classification: Likely benign for Inborn genetic diseases. Last evaluated: 2023-06-29. Review status: criteria provided, single submitter. Criteria: Ambry Variant Classification Scheme 2023. Collection method: clinical testing. Allele origin: germline.